The following is an entry in ClinVar:

NM_001321571.2(CAMK2D):c.720G>A (p.Thr240=)

Gene: CAMK2D (calcium/calmodulin dependent protein kinase II delta; minus strand). Cytogenetic location: 4q26.
Variant type: single nucleotide variant.
Coding change: c.720G>A on transcript NM_001321571.2 (MANE Select); coding-DNA position 720, G replaced by A.
Protein change: p.Thr240=; no amino-acid change (threonine 240 retained).
Molecular consequence: synonymous variant.
Genome position (GRCh38, 1-based): chr4:113,515,168, C>T on the plus strand (G>A on the coding strand, the complement: CAMK2D is on the minus strand). VCF-style: chr4-113515168-C-T. GRCh37 (hg19) VCF-style: chr4-114436324-C-T.
Other names: c.720G>A, p.Thr240= (NM_001221.4, NM_001321566.2, NM_001321567.2 and 25 more transcripts); c.132G>A, p.Thr44= (NM_001321578.2, NM_001321585.2); c.603G>A, p.Thr201= (NM_001321581.2).
Identifiers: ClinVar variation 711414 (VCV000711414.8), dbSNP rs144277535, ClinGen allele CA3052829.

ClinVar aggregate classification (germline): Benign/Likely benign. Review status: criteria provided, multiple submitters, no conflicts (2 of 4 stars). 3 submissions from 3 submitters: Benign (2); Likely benign (1). Last evaluated 2026-03-01.

Allele frequency attached by ClinVar (database versions not stated): gnomAD exomes 0.00020 and 0.00053; ExAC 0.00062; gnomAD 0.00215 and 0.00235; ESP Exome Variant Server 0.00231; TOPMed 0.00274; 1000 Genomes Project 30x 0.00312; 1000 Genomes Project 0.00319.
gnomAD v4.1: 639 of 1,604,964 alleles (0.04%); highest among the groups gnomAD compares: African/African-American, 0.71%; 2 homozygotes.

Submissions (3):

CeGaT Center for Human Genetics Tuebingen
Classification: Likely benign. Last evaluated: 2026-03-01. Review status: criteria provided, single submitter. Criteria: CeGaT Center For Human Genetics Tuebingen Variant Classification Criteria Version 2. Collection method: clinical testing. Allele origin: germline. Affected: yes. Observed: 1 variant allele.
Comment: CAMK2D: BP4, BP7

Labcorp Genetics (formerly Invitae), Labcorp
Classification: Benign. Last evaluated: 2018-05-30. Review status: criteria provided, single submitter. Criteria: Invitae Variant Classification Sherloc (09022015). Collection method: clinical testing. Allele origin: germline.

Breakthrough Genomics
Classification: Benign. Review status: criteria provided, single submitter. Criteria: ACMG Guidelines, 2015. Collection method: not provided. Allele origin: germline. Inheritance: Unknown mechanism. Affected: yes.